The following is an entry in ClinVar:

ClinVar aggregate classification (germline): Likely benign (1 of 4 stars; one submission).

Conditions:
TTC21B-related disorder. Also called: TTC21B-related condition; TTC21B-related disorders.

Submission:

PreventionGenetics, part of Exact Sciences
Classification: Likely benign for TTC21B-related condition. Last evaluated: 2026-09-08. Review status: criteria provided, single submitter. Criteria: ACMG Guidelines, 2015. Collection method: clinical testing. Allele origin: germline.
Comment: This variant is classified as likely benign based on ACMG/AMP sequence variant interpretation guidelines (Richards et al. 2015 PMID: 25741868, with internal and published modifications).

NM_024753.5(TTC21B):c.2922T>C (p.His974=)

Gene: TTC21B (tetratricopeptide repeat domain 21B; minus strand). Cytogenetic location: 2q24.3.
Variant type: single nucleotide variant.
Coding change: c.2922T>C on transcript NM_024753.5 (MANE Select); coding-DNA position 2922, T replaced by C.
Protein change: p.His974=; no amino-acid change (histidine 974 retained).
Molecular consequence: synonymous variant.
Genome position (GRCh38, 1-based): chr2:165,898,714, A>G on the plus strand (T>C on the coding strand, the complement: TTC21B is on the minus strand). VCF-style: chr2-165898714-A-G. GRCh37 (hg19) VCF-style: chr2-166755224-A-G.
Identifiers: ClinVar variation 4998910 (VCV004998910.1).